The following is an entry in ClinVar:

ClinVar aggregate classification (germline): Likely benign. Review status: criteria provided, multiple submitters, no conflicts (2 of 4 stars). 3 submissions from 3 submitters: Likely benign (3). Last evaluated 2025-06-22.

Conditions:
Myofibrillar myopathy 5. Also called: Filaminopathy (type); FILAMINOPATHY, AUTOSOMAL DOMINANT. Identifiers: Orphanet 171445, MedGen C1836050, MONDO:0012289, OMIM 609524.
Distal myopathy with posterior leg and anterior hand involvement. Also called: WILLIAMS DISTAL MYOPATHY. Identifiers: Orphanet 63273, MedGen C3279722, MONDO:0013550, OMIM 614065.
Hypertrophic cardiomyopathy 26. Also called: Cardiomyopathy, familial hypertrophic, 26. Identifiers: Orphanet 75249, MedGen C4310749, MONDO:0014883, OMIM 617047.
Cardiovascular phenotype. Identifiers: MedGen CN230736.

gnomAD v4.1: 5 of 1,613,746 alleles (0.00031%); highest among the groups gnomAD compares: Admixed American, 0.0017%; no homozygotes.

Submissions (3):

Labcorp Genetics (formerly Invitae), Labcorp
Classification: Likely benign for Distal myopathy with posterior leg and anterior hand involvement; Myofibrillar myopathy 5; Hypertrophic cardiomyopathy 26. Last evaluated: 2025-06-22. Review status: criteria provided, single submitter. Criteria: Invitae Variant Classification Sherloc (09022015). Collection method: clinical testing. Allele origin: germline.

Ambry Genetics
Classification: Likely benign for Cardiovascular phenotype. Last evaluated: 2024-10-24. Review status: criteria provided, single submitter. Criteria: Ambry Variant Classification Scheme 2023. Collection method: clinical testing. Allele origin: germline.

GeneDx
Classification: Likely benign. Last evaluated: 2017-03-30. Review status: criteria provided, single submitter. Criteria: GeneDx Variant Classification (06012015). Collection method: clinical testing. Allele origin: germline. Affected: yes.
Comment: This variant is considered likely benign or benign based on one or more of the following criteria: it is a conservative change, it occurs at a poorly conserved position in the protein, it is predicted to be benign by multiple in silico algorithms, and/or has population frequency not consistent with disease.

NM_001458.5(FLNC):c.3489G>A (p.Pro1163=)

Gene: FLNC (filamin C; plus strand). Cytogenetic location: 7q32.1.
Variant type: single nucleotide variant.
Coding change: c.3489G>A on transcript NM_001458.5 (MANE Select); coding-DNA position 3489, G replaced by A.
Protein change: p.Pro1163=; no amino-acid change (proline 1163 retained).
Molecular consequence: synonymous variant.
Genome position (GRCh38, 1-based): chr7:128,844,954, G>A. VCF-style: chr7-128844954-G-A. GRCh37 (hg19) VCF-style: chr7-128485008-G-A.
Other names: c.3489G>A, p.Pro1163= (NM_001127487.2).
Identifiers: ClinVar variation 508485 (VCV000508485.10), dbSNP rs369853278, ClinGen allele CA457848337.